The following is an entry in ClinVar:

ClinVar aggregate classification (germline): Uncertain significance (1 of 4 stars; one submission).

Conditions:
Familial cancer of breast. Also called: BREAST CANCER, FAMILIAL; hereditary breast carcinoma; Hereditary breast cancer. Identifiers: Orphanet 227535, MedGen C0346153, MONDO:0016419, OMIM 114480. Disease mechanism: loss of function.
Fanconi anemia complementation group J. Also called: BRIP1-Related Fanconi Anemia. Identifiers: Orphanet 84, MedGen C1836860, MONDO:0012187, OMIM 609054.

Submission:

Labcorp Genetics (formerly Invitae), Labcorp
Classification: Uncertain significance for Familial cancer of breast; Fanconi anemia complementation group J. Last evaluated: 2025-02-18. Review status: criteria provided, single submitter. Criteria: Invitae Variant Classification Sherloc (09022015). Collection method: clinical testing. Allele origin: germline.
Comment: This sequence change replaces isoleucine, which is neutral and non-polar, with valine, which is neutral and non-polar, at codon 259 of the BRIP1 protein (p.Ile259Val). This variant is not present in population databases (gnomAD no frequency). This variant has not been reported in the literature in individuals affected with BRIP1-related conditions. ClinVar contains an entry for this variant (Variation ID: 1345479). Invitae Evidence Modeling of protein sequence and biophysical properties (such as structural, functional, and spatial information, amino acid conservation, physicochemical variation, residue mobility, and thermodynamic stability) indicates that this missense variant is not expected to disrupt BRIP1 protein function with a negative predictive value of 95%. In summary, the available evidence is currently insufficient to determine the role of this variant in disease. Therefore, it has been classified as a Variant of Uncertain Significance.

NM_032043.3(BRIP1):c.775A>G (p.Ile259Val)

Gene: BRIP1 (BRCA1 interacting DNA helicase 1; minus strand). Cytogenetic location: 17q23.2.
Variant type: single nucleotide variant.
Coding change: c.775A>G on transcript NM_032043.3 (MANE Select); coding-DNA position 775, A replaced by G.
Protein change: p.Ile259Val; replaces isoleucine 259 with valine.
Molecular consequence: missense variant.
Genome position (GRCh38, 1-based): chr17:61,808,610, T>C on the plus strand (A>G on the coding strand, the complement: BRIP1 is on the minus strand). VCF-style: chr17-61808610-T-C. GRCh37 (hg19) VCF-style: chr17-59885971-T-C.
Other names: short protein forms I259V.
Identifiers: ClinVar variation 1345479 (VCV001345479.9), dbSNP rs2145417254, ClinGen allele CA400484933.